The following is an entry in ClinVar:

NM_001042492.3(NF1):c.1199A>G (p.Gln400Arg)

Gene: NF1 (neurofibromin 1; plus strand). Cytogenetic location: 17q11.2.
Variant type: single nucleotide variant.
Coding change: c.1199A>G on transcript NM_001042492.3 (MANE Select); coding-DNA position 1199, A replaced by G.
Protein change: p.Gln400Arg; replaces glutamine 400 with arginine.
Molecular consequence: missense variant.
Genome position (GRCh38, 1-based): chr17:31,201,424, A>G. VCF-style: chr17-31201424-A-G. GRCh37 (hg19) VCF-style: chr17-29528442-A-G.
Other names: c.1199A>G, p.Gln400Arg (NM_000267.4, NM_001128147.3); short protein forms Q400R.
Identifiers: ClinVar variation 1498405 (VCV001498405.8), dbSNP rs2143885791, ClinGen allele CA398997453.

ClinVar aggregate classification (germline): Uncertain significance (1 of 4 stars; one submission).

Conditions:
Neurofibromatosis, type 1 (NF1). Also called: VON RECKLINGHAUSEN DISEASE; NEUROFIBROMATOSIS, TYPE I, SOMATIC; Peripheral type neurofibromatosis; Neurofibromatosis, type I. Identifiers: Orphanet 636, MedGen C0027831, MONDO:0018975, OMIM 162200. Disease mechanism: loss of function.

Submission:

Labcorp Genetics (formerly Invitae), Labcorp
Classification: Uncertain significance for Neurofibromatosis, type 1. Last evaluated: 2020-11-11. Review status: criteria provided, single submitter. Criteria: Invitae Variant Classification Sherloc (09022015). Collection method: clinical testing. Allele origin: germline.
Comment: In summary, the available evidence is currently insufficient to determine the role of this variant in disease. Therefore, it has been classified as a Variant of Uncertain Significance. Advanced modeling of protein sequence and biophysical properties (such as structural, functional, and spatial information, amino acid conservation, physicochemical variation, residue mobility, and thermodynamic stability) performed at Invitae indicates that this missense variant is not expected to disrupt NF1 protein function. This variant has not been reported in the literature in individuals with NF1-related conditions. This variant is not present in population databases (ExAC no frequency). This sequence change replaces glutamine with arginine at codon 400 of the NF1 protein (p.Gln400Arg). The glutamine residue is highly conserved and there is a small physicochemical difference between glutamine and arginine.